The following is an entry in ClinVar:

NM_007180.3(TREH):c.1062C>T (p.Cys354=)

Gene: TREH (trehalase; minus strand). Cytogenetic location: 11q23.3.
Variant type: single nucleotide variant.
Coding change: c.1062C>T on transcript NM_007180.3 (MANE Select); coding-DNA position 1062, C replaced by T.
Protein change: p.Cys354=; no amino-acid change (cysteine 354 retained).
Molecular consequence: synonymous variant.
Genome position (GRCh38, 1-based): chr11:118,660,579, G>A on the plus strand (C>T on the coding strand, the complement: TREH is on the minus strand). VCF-style: chr11-118660579-G-A. GRCh37 (hg19) VCF-style: chr11-118531288-G-A.
Other names: c.969C>T, p.Cys323= (NM_001301065.2).
Identifiers: ClinVar variation 3030782 (VCV003030782.2), dbSNP rs782747796, ClinGen allele CA6307918.

ClinVar aggregate classification (germline): Likely benign (0 of 4 stars; one submission).

Conditions:
TREH-related disorder. Also called: TREH-related condition.

Allele frequency attached by ClinVar (database versions not stated): ExAC 0.00002; gnomAD 0.00003; TOPMed 0.00003; gnomAD exomes 0.00004.

Submission:

PreventionGenetics, part of Exact Sciences
Classification: Likely benign for TREH-related condition. Last evaluated: 2020-12-19. Review status: no assertion criteria provided. Collection method: clinical testing. Allele origin: germline.
Comment: This variant is classified as likely benign based on ACMG/AMP sequence variant interpretation guidelines (Richards et al. 2015 PMID: 25741868, with internal and published modifications).